The following is an entry in ClinVar:

NM_003060.4(SLC22A5):c.78C>G (p.Ser26Arg)

Gene: SLC22A5 (solute carrier family 22 member 5; plus strand). Cytogenetic location: 5q31.1.
Variant type: single nucleotide variant.
Coding change: c.78C>G on transcript NM_003060.4 (MANE Select); coding-DNA position 78, C replaced by G.
Protein change: p.Ser26Arg; replaces serine 26 with arginine.
Molecular consequence: missense variant.
Genome position (GRCh38, 1-based): chr5:132,370,050, C>G. VCF-style: chr5-132370050-C-G. GRCh37 (hg19) VCF-style: chr5-131705742-C-G.
Other names: c.78C>G, p.Ser26Arg (NM_001308122.2); short protein forms S26R.
Identifiers: ClinVar variation 2873845 (VCV002873845.3), dbSNP rs2532088198, ClinGen allele CA360802336.

ClinVar aggregate classification (germline): Likely pathogenic (1 of 4 stars; one submission).

Conditions:
Renal carnitine transport defect (CDSP). Also called: Systemic primary carnitine deficiency; Carnitine transporter deficiency; Carnitine Deficiency, Systemic; CARNITINE DEFICIENCY, SYSTEMIC, DUE TO DEFECT IN RENAL REABSORPTION OF CARNITINE; CARNITINE TRANSPORTER, PLASMA-MEMBRANE, DEFICIENCY OF; CARNITINE UPTAKE DEFECT. Identifiers: Orphanet 158, MedGen C0342788, MONDO:0008919, OMIM 212140.

Submission:

Labcorp Genetics (formerly Invitae), Labcorp
Classification: Likely pathogenic for Renal carnitine transport defect. Last evaluated: 2023-11-20. Review status: criteria provided, single submitter. Criteria: Invitae Variant Classification Sherloc (09022015). Collection method: clinical testing. Allele origin: germline.
Comment: This sequence change replaces serine, which is neutral and polar, with arginine, which is basic and polar, at codon 26 of the SLC22A5 protein (p.Ser26Arg). This variant is not present in population databases (gnomAD no frequency). This variant has not been reported in the literature in individuals affected with SLC22A5-related conditions. Advanced modeling of protein sequence and biophysical properties (such as structural, functional, and spatial information, amino acid conservation, physicochemical variation, residue mobility, and thermodynamic stability) performed at Invitae indicates that this missense variant is expected to disrupt SLC22A5 protein function with a positive predictive value of 95%. This variant disrupts the p.Ser26 amino acid residue in SLC22A5. Other variant(s) that disrupt this residue have been determined to be pathogenic (PMID: 21922592, 28841266). This suggests that this residue is clinically significant, and that variants that disrupt this residue are likely to be disease-causing. In summary, the currently available evidence indicates that the variant is pathogenic, but additional data are needed to prove that conclusively. Therefore, this variant has been classified as Likely Pathogenic.

Literature cited by the submitters: PubMed 21922592; PubMed 28841266.